The following is an entry in ClinVar:

ClinVar aggregate classification (germline): Uncertain significance. Review status: criteria provided, multiple submitters, no conflicts (2 of 4 stars). 2 submissions from 2 submitters: Uncertain significance (2). Last evaluated 2025-02-07.

Conditions:
Inborn genetic diseases. Identifiers: MedGen C0950123, MeSH D030342.

gnomAD v4.1: 19 of 1,614,092 alleles (0.0012%); highest among the groups gnomAD compares: Non-Finnish European, 0.0015%; no homozygotes.

Submissions (2):

Ambry Genetics
Classification: Uncertain significance for Inborn genetic diseases. Last evaluated: 2025-02-07. Review status: criteria provided, single submitter. Criteria: Ambry Variant Classification Scheme 2023. Collection method: clinical testing. Allele origin: germline.

Labcorp Genetics (formerly Invitae), Labcorp
Classification: Uncertain significance. Last evaluated: 2025-01-07. Review status: criteria provided, single submitter. Criteria: Invitae Variant Classification Sherloc (09022015). Collection method: clinical testing. Allele origin: germline.
Comment: This sequence change replaces isoleucine, which is neutral and non-polar, with valine, which is neutral and non-polar, at codon 221 of the MYO3A protein (p.Ile221Val). This variant is present in population databases (no rsID available, gnomAD 0.0009%). This variant has not been reported in the literature in individuals affected with MYO3A-related conditions. An algorithm developed to predict the effect of missense changes on protein structure and function (PolyPhen-2) suggests that this variant is likely to be disruptive. In summary, the available evidence is currently insufficient to determine the role of this variant in disease. Therefore, it has been classified as a Variant of Uncertain Significance.

NM_017433.5(MYO3A):c.661A>G (p.Ile221Val)

Gene: MYO3A (myosin IIIA; plus strand). Cytogenetic location: 10p12.1.
Variant type: single nucleotide variant.
Coding change: c.661A>G on transcript NM_017433.5 (MANE Select); coding-DNA position 661, A replaced by G.
Protein change: p.Ile221Val; replaces isoleucine 221 with valine.
Molecular consequence: missense variant.
Genome position (GRCh38, 1-based): chr10:26,021,578, A>G. VCF-style: chr10-26021578-A-G. GRCh37 (hg19) VCF-style: chr10-26310507-A-G.
Other names: c.661A>G (NM_017433.4); c.661A>G, p.Ile221Val (NM_001368265.1); short protein forms I221V.
Identifiers: ClinVar variation 3713533 (VCV003713533.3).